The following is an entry in ClinVar:

NM_000390.4(CHM):c.1396A>G (p.Thr466Ala)

Gene: CHM (CHM Rab escort protein; minus strand). Cytogenetic location: Xq21.2.
Variant type: single nucleotide variant.
Coding change: c.1396A>G on transcript NM_000390.4 (MANE Select); coding-DNA position 1396, A replaced by G.
Protein change: p.Thr466Ala; replaces threonine 466 with alanine.
Molecular consequence: missense variant.
Genome position (GRCh38, 1-based): chrX:85,900,663, T>C on the plus strand (A>G on the coding strand, the complement: CHM is on the minus strand). VCF-style: chrX-85900663-T-C. GRCh37 (hg19) VCF-style: chrX-85155668-T-C.
Other names: c.952A>G, p.Thr318Ala (NM_001320959.1, NM_001362517.1, NM_001362518.2 and 1 more transcripts); short protein forms T466A, T318A.
Identifiers: ClinVar variation 2143213 (VCV002143213.4), dbSNP rs2520095484, ClinGen allele CA413789278.

ClinVar aggregate classification (germline): Uncertain significance. Review status: criteria provided, multiple submitters, no conflicts (2 of 4 stars). 2 submissions from 2 submitters: Uncertain significance (2). Last evaluated 2026-03-03.

Conditions:
Inborn genetic diseases. Identifiers: MedGen C0950123, MeSH D030342.

Allele frequency attached by ClinVar (database versions not stated): gnomAD exomes below 0.00001.
gnomAD v4.1: 3 of 1,180,378 alleles (0.00025%); highest among the groups gnomAD compares: Non-Finnish European, 0.00035%; no homozygotes.

Submissions (2):

Ambry Genetics
Classification: Uncertain significance for Inborn genetic diseases. Last evaluated: 2026-03-03. Review status: criteria provided, single submitter. Criteria: Ambry Variant Classification Scheme 2023. Collection method: clinical testing. Allele origin: germline.

Labcorp Genetics (formerly Invitae), Labcorp
Classification: Uncertain significance. Last evaluated: 2024-11-11. Review status: criteria provided, single submitter. Criteria: Invitae Variant Classification Sherloc (09022015). Collection method: clinical testing. Allele origin: germline.
Comment: This sequence change replaces threonine, which is neutral and polar, with alanine, which is neutral and non-polar, at codon 466 of the CHM protein (p.Thr466Ala). This variant is not present in population databases (gnomAD no frequency). This variant has not been reported in the literature in individuals affected with CHM-related conditions. ClinVar contains an entry for this variant (Variation ID: 2143213). Invitae Evidence Modeling of protein sequence and biophysical properties (such as structural, functional, and spatial information, amino acid conservation, physicochemical variation, residue mobility, and thermodynamic stability) indicates that this missense variant is not expected to disrupt CHM protein function with a negative predictive value of 80%. In summary, the available evidence is currently insufficient to determine the role of this variant in disease. Therefore, it has been classified as a Variant of Uncertain Significance.